The following is an entry in ClinVar:

ClinVar aggregate classification (germline): Uncertain significance (1 of 4 stars; one submission).

Allele frequency attached by ClinVar (database versions not stated): gnomAD exomes below 0.00001; ExAC 0.00001; gnomAD 0.00001; TOPMed 0.00001.
gnomAD v4.1: 2 of 1,610,456 alleles (0.00012%); highest among the groups gnomAD compares: Non-Finnish European, 0.00017%; no homozygotes.

Submission:

Labcorp Genetics (formerly Invitae), Labcorp
Classification: Uncertain significance. Last evaluated: 2021-12-21. Review status: criteria provided, single submitter. Criteria: Invitae Variant Classification Sherloc (09022015). Collection method: clinical testing. Allele origin: germline.
Comment: This sequence change replaces arginine, which is basic and polar, with cysteine, which is neutral and slightly polar, at codon 901 of the SBF1 protein (p.Arg901Cys). The frequency data for this variant in the population databases is considered unreliable, as metrics indicate poor data quality at this position in the gnomAD database. This variant has not been reported in the literature in individuals affected with SBF1-related conditions. In summary, the available evidence is currently insufficient to determine the role of this variant in disease. Therefore, it has been classified as a Variant of Uncertain Significance. Algorithms developed to predict the effect of sequence changes on RNA splicing suggest that this variant may create or strengthen a splice site. Algorithms developed to predict the effect of missense changes on protein structure and function are either unavailable or do not agree on the potential impact of this missense change (SIFT: "Deleterious"; PolyPhen-2: "Probably Damaging"; Align-GVGD: "Class C0").

NM_002972.4(SBF1):c.2701C>T (p.Arg901Cys)

Gene: SBF1 (SET binding factor 1; minus strand). Cytogenetic location: 22q13.33.
Variant type: single nucleotide variant.
Coding change: c.2701C>T on transcript NM_002972.4 (MANE Select); coding-DNA position 2701, C replaced by T.
Protein change: p.Arg901Cys; replaces arginine 901 with cysteine.
Molecular consequence: missense variant.
Genome position (GRCh38, 1-based): chr22:50,461,661, G>A on the plus strand (C>T on the coding strand, the complement: SBF1 is on the minus strand). VCF-style: chr22-50461661-G-A. GRCh37 (hg19) VCF-style: chr22-50900090-G-A.
Other names: c.2704C>T, p.Arg902Cys (NM_001365819.1, NM_001410794.1); c.2701C>T, p.Arg901Cys (NM_001410795.1, NM_197971.1); short protein forms R901C, R902C.
Identifiers: ClinVar variation 2133047 (VCV002133047.4), dbSNP rs766669723, ClinGen allele CA10317084.